The following is an entry in ClinVar:

NM_030773.4(TUBB1):c.703G>A (p.Gly235Ser)

Gene: TUBB1 (tubulin beta 1 class VI; plus strand). Cytogenetic location: 20q13.32.
Variant type: single nucleotide variant.
Coding change: c.703G>A on transcript NM_030773.4 (MANE Select); coding-DNA position 703, G replaced by A.
Protein change: p.Gly235Ser; replaces glycine 235 with serine.
Molecular consequence: missense variant.
Genome position (GRCh38, 1-based): chr20:59,024,130, G>A. VCF-style: chr20-59024130-G-A. GRCh37 (hg19) VCF-style: chr20-57599185-G-A.
Other names: short protein forms G235S.
Identifiers: ClinVar variation 3709318 (VCV003709318.2).
Genomic context (GRCh38, chr20:59,024,130, plus strand): 5'-CTGAAGCTGACGACACCCACCTATGGGGATCTCAACCACCTAGTGTCCTTGACCATGAGC[G>A]GCATAACCACCTCCCTCCGGTTCCCGGGTCAGCTCAACGCAGACCTGCGCAAGCTGGCGG-3'
Protein context (NP_110400.1, residues 225-245): LNHLVSLTMS[Gly235Ser]ITTSLRFPGQ

ClinVar aggregate classification (germline): Uncertain significance (1 of 4 stars; one submission).

Submission:

Labcorp Genetics (formerly Invitae), Labcorp
Classification: Uncertain significance. Last evaluated: 2025-09-21. Review status: criteria provided, single submitter. Criteria: Invitae Variant Classification Sherloc (09022015). Collection method: clinical testing. Allele origin: germline.
Comment: This sequence change replaces glycine, which is neutral and non-polar, with serine, which is neutral and polar, at codon 235 of the TUBB1 protein (p.Gly235Ser). This variant is present in population databases (rs750174435, gnomAD 0.009%). This variant has not been reported in the literature in individuals affected with TUBB1-related conditions. ClinVar contains an entry for this variant (Variation ID: 3709318). Invitae Evidence Modeling of protein sequence and biophysical properties (such as structural, functional, and spatial information, amino acid conservation, physicochemical variation, residue mobility, and thermodynamic stability) indicates that this missense variant is expected to disrupt TUBB1 protein function with a positive predictive value of 80%. In summary, the available evidence is currently insufficient to determine the role of this variant in disease. Therefore, it has been classified as a Variant of Uncertain Significance.